The following is an entry in ClinVar:

NM_001283009.2(RTEL1):c.1172A>G (p.Lys391Arg)

Genes: RTEL1 (regulator of telomere elongation helicase 1; plus strand), RTEL1-TNFRSF6B (RTEL1-TNFRSF6B readthrough (NMD candidate); plus strand). Cytogenetic location: 20q13.33.
Variant type: single nucleotide variant.
Coding change: c.1172A>G on transcript NM_001283009.2 (MANE Select); coding-DNA position 1172, A replaced by G.
Protein change: p.Lys391Arg; replaces lysine 391 with arginine.
Molecular consequence: missense variant. On other transcripts: non-coding transcript variant (1).
Genome position (GRCh38, 1-based): chr20:63,680,700, A>G. VCF-style: chr20-63680700-A-G. GRCh37 (hg19) VCF-style: chr20-62312053-A-G.
Other names: c.503A>G, p.Lys168Arg (NM_001283010.1); c.1172A>G, p.Lys391Arg (NM_016434.4); c.1244A>G, p.Lys415Arg (NM_032957.5); short protein forms K415R, K391R, K168R.
Identifiers: ClinVar variation 4629570 (VCV004629570.1).

ClinVar aggregate classification (germline): Uncertain significance (1 of 4 stars; one submission).

Conditions:
Inborn genetic diseases. Identifiers: MedGen C0950123, MeSH D030342.

gnomAD v4.1: 1 of 1,613,406 alleles (0.000062%); highest among the groups gnomAD compares: African/African-American, 0.0013%; no homozygotes.

Submission:

Ambry Genetics
Classification: Uncertain significance for Inborn genetic diseases. Last evaluated: 2025-10-26. Review status: criteria provided, single submitter. Criteria: Ambry Variant Classification Scheme 2023. Collection method: clinical testing. Allele origin: germline.
Comment: The p.K391R variant (also known as c.1172A>G), located in coding exon 13 of the RTEL1 gene, results from an A to G substitution at nucleotide position 1172. The lysine at codon 391 is replaced by arginine, an amino acid with highly similar properties. This amino acid position is conserved. In addition, the in silico prediction for this alteration is inconclusive. Based on the available evidence, the clinical significance of this variant remains unclear.